The following is an entry in ClinVar:

ClinVar aggregate classification (germline): Uncertain significance (1 of 4 stars; one submission).

Conditions:
Hereditary cancer-predisposing syndrome. Also called: Hereditary Cancer Syndrome; Hereditary neoplastic syndrome; Neoplastic Syndromes, Hereditary; Tumor predisposition. Identifiers: Orphanet 140162, MedGen C0027672, MeSH D009386, MONDO:0015356.

Submission:

Ambry Genetics
Classification: Uncertain significance for Hereditary cancer-predisposing syndrome. Last evaluated: 2020-03-23. Review status: criteria provided, single submitter. Criteria: Ambry Variant Classification Scheme 2023. Collection method: clinical testing. Allele origin: germline.
Comment: The p.T43S variant (also known as c.128C>G), located in coding exon 1 of the CHEK2 gene, results from a C to G substitution at nucleotide position 128. The threonine at codon 43 is replaced by serine, an amino acid with similar properties. This amino acid position is not well conserved in available vertebrate species. In addition, this alteration is predicted to be tolerated by in silico analysis. Since supporting evidence is limited at this time, the clinical significance of this alteration remains unclear.

NM_007194.4(CHEK2):c.128C>G (p.Thr43Ser)

Gene: CHEK2 (checkpoint kinase 2; minus strand). Cytogenetic location: 22q12.1.
Variant type: single nucleotide variant.
Coding change: c.128C>G on transcript NM_007194.4 (MANE Select); coding-DNA position 128, C replaced by G.
Protein change: p.Thr43Ser; replaces threonine 43 with serine.
Molecular consequence: missense variant.
Genome position (GRCh38, 1-based): chr22:28,734,594, G>C on the plus strand (C>G on the coding strand, the complement: CHEK2 is on the minus strand). VCF-style: chr22-28734594-G-C. GRCh37 (hg19) VCF-style: chr22-29130582-G-C.
Other names: c.128C>G, p.Thr43Ser (NM_001005735.3, NM_001349956.3, NM_145862.3); c.-650C>G (NM_001257387.3); short protein forms T43S.
Identifiers: ClinVar variation 1769058 (VCV001769058.2), dbSNP rs2054327963, ClinGen allele CA411091251.
Genomic context (GRCh38, chr22:28,734,594, plus strand): 5'-AAGGAGCTCAGTGTCCCAGAGCTGGAGTGAGAGGACTGGCTGGAGTTTGGCATCGTGCTG[G>C]TAGAGGAGCTGGATATGCCCTGGGACTGTGAGGAGGAGCCTTGGGACTGGGTAACGCTGC-3'
Protein context (NP_009125.1, residues 33-53): SQSQGISSSS[Thr43Ser]STMPNSSQSS